The following is an entry in ClinVar:

ClinVar aggregate classification (germline): Benign/Likely benign. Review status: criteria provided, multiple submitters, no conflicts (2 of 4 stars). 4 submissions from 4 submitters: Benign (1); Likely benign (2). 1 of the submissions does not count toward it. Last evaluated 2025-10-02.

Conditions:
Rubinstein-Taybi syndrome (RSTS). Identifiers: Orphanet 783, MedGen C0035934, MONDO:0019188.
Inborn genetic diseases. Identifiers: MedGen C0950123, MeSH D030342.
CREBBP-related disorder. Also called: CREBBP-related disorders; CREBBP-related condition.

Allele frequency attached by ClinVar (database versions not stated): ExAC 0.00001; gnomAD 0.00001; gnomAD exomes 0.00001 and 0.00002.
gnomAD v4.1: 15 of 1,607,384 alleles (0.00093%); highest among the groups gnomAD compares: African/African-American, 0.004%; no homozygotes.

Submissions (4):

Labcorp Genetics (formerly Invitae), Labcorp
Classification: Benign for Rubinstein-Taybi syndrome. Last evaluated: 2025-10-02. Review status: criteria provided, single submitter. Criteria: Invitae Variant Classification Sherloc (09022015). Collection method: clinical testing. Allele origin: germline.

Blueprint Genetics
Classification: Likely benign. Last evaluated: 2024-11-26. Review status: criteria provided, single submitter. Criteria: ACMG Guidelines, 2015. Collection method: clinical testing. Allele origin: germline.

Ambry Genetics
Classification: Likely benign for Inborn genetic diseases. Last evaluated: 2017-05-26. Review status: criteria provided, single submitter. Criteria: Ambry Variant Classification Scheme 2023. Collection method: clinical testing. Allele origin: germline.

PreventionGenetics, part of Exact Sciences
Classification: Likely benign for CREBBP-related condition. Last evaluated: 2024-01-22. Review status: no assertion criteria provided. Collection method: clinical testing. Allele origin: germline. Not counted in ClinVar's aggregate classification.
Comment: This variant is classified as likely benign based on ACMG/AMP sequence variant interpretation guidelines (Richards et al. 2015 PMID: 25741868, with internal and published modifications).

NM_004380.3(CREBBP):c.6141C>T (p.Ala2047=)

Gene: CREBBP (CREB binding lysine acetyltransferase; minus strand). Cytogenetic location: 16p13.3.
Variant type: single nucleotide variant.
Coding change: c.6141C>T on transcript NM_004380.3 (MANE Select); coding-DNA position 6141, C replaced by T.
Protein change: p.Ala2047=; no amino-acid change (alanine 2047 retained).
Molecular consequence: synonymous variant.
Genome position (GRCh38, 1-based): chr16:3,728,906, G>A on the plus strand (C>T on the coding strand, the complement: CREBBP is on the minus strand). VCF-style: chr16-3728906-G-A. GRCh37 (hg19) VCF-style: chr16-3778907-G-A.
Other names: c.6027C>T, p.Ala2009= (NM_001079846.1).
Identifiers: ClinVar variation 588828 (VCV000588828.9), dbSNP rs775352905, ClinGen allele CA7869173.
Genomic context (GRCh38, chr16:3,728,906, plus strand): 5'-CAGAGCGCTGGGTGAGATGCTCCTGGGTGGCTGCACGCTGGGCATCCGGGGCCCAGCCAC[G>A]GCCGCCTGGGCCTGCATGGATATCACAGGCCTGGGCAAGCCTGGCATGGGCTGCTGCTGG-3'
Protein context (NP_004371.2, residues 2037-2057): RPVISMQAQA[Ala2047=]VAGPRMPSVQ